The following is an entry in ClinVar:

NM_206937.2(LIG4):c.1144_1145del (p.Leu382fs)

Gene: LIG4 (DNA ligase 4; minus strand). Cytogenetic location: 13q33.3.
Variant type: Microsatellite.
Coding change: c.1144_1145del on transcript NM_206937.2 (MANE Select); coding-DNA positions 1144 to 1145, 2 bases deleted (CT; older notation c.1144_1145delCT).
Protein change: p.Leu382fs; shifts the reading frame from leucine 382.
Molecular consequence: frameshift variant.
Genome position (GRCh38, 1-based): chr13:108,210,124-108,210,125, AG deleted on the plus strand (CT on the coding strand, the reverse complement: LIG4 is on the minus strand); deleting any 2 consecutive bases within chr13:108,210,124-108,210,127 gives the same sequence; the c. name uses the placement nearest the transcript's 3' end. VCF-style (leftmost placement, unchanged base first): chr13-108210123-CAG-C. GRCh37 (hg19) VCF-style: chr13-108862471-CAG-C.
Other names: c.1144_1145delCT (NM_002312.3); c.1144_1145del, p.Leu382fs (NM_001098268.2, NM_001352598.2, NM_001352599.2 and 6 more transcripts); c.943_944del, p.Leu315fs (NM_001330595.2); c.1180_1181del, p.Leu394fs (NM_001352604.2); short protein forms L315fs, L382fs, L394fs.
Identifiers: ClinVar variation 523952 (VCV000523952.12), dbSNP rs1246940345, ClinGen allele CA612360457.
Genomic context (GRCh38, chr13:108,210,123, plus strand): 5'-TATTTCTATTCTACCTGGAATTGGTGTAAAAATACTACTAAGAATCTCATACCTCTTTCT[CAG>C]AGTCTCATGCCCTAGCTTTTTATTATTAACCATCAATACATCAAAAACACAATAACAAGT-3'

ClinVar aggregate classification (germline): Pathogenic/Likely pathogenic. Review status: criteria provided, multiple submitters, no conflicts (2 of 4 stars). 3 submissions from 3 submitters: Pathogenic (2); Likely pathogenic (1). Last evaluated 2024-03-12.

Conditions:
Multiple myeloma (MM). Also called: Plasma cell myeloma; Multiple myeloma, somatic. Identifiers: Orphanet 29073, Orphanet 85443, MedGen C0026764, MeSH D009101, MONDO:0009693, OMIM 254500, HP:0006775.
DNA ligase IV deficiency. Identifiers: Orphanet 99812, MedGen C1847827, MONDO:0011686, OMIM 606593.

Submissions (3):

Labcorp Genetics (formerly Invitae), Labcorp
Classification: Pathogenic for DNA ligase IV deficiency. Last evaluated: 2024-03-12. Review status: criteria provided, single submitter. Criteria: Invitae Variant Classification Sherloc (09022015). Collection method: clinical testing. Allele origin: germline.
Comment: This sequence change creates a premature translational stop signal (p.Leu382Glufs*5) in the LIG4 gene. While this is not anticipated to result in nonsense mediated decay, it is expected to disrupt the last 530 amino acid(s) of the LIG4 protein. This variant is present in population databases (no rsID available, gnomAD 0.006%). This premature translational stop signal has been observed in individual(s) with ligase IV syndrome (PMID: 26762768). ClinVar contains an entry for this variant (Variation ID: 523952). This variant disrupts a region of the LIG4 protein in which other variant(s) (p.Arg814*) have been determined to be pathogenic (PMID: 11779494, 16088910, 25239263, 27063650). This suggests that this is a clinically significant region of the protein, and that variants that disrupt it are likely to be disease-causing. For these reasons, this variant has been classified as Pathogenic.

GeneDx
Classification: Likely pathogenic. Last evaluated: 2018-04-03. Review status: criteria provided, single submitter. Criteria: GeneDx Variant Classification (06012015). Collection method: clinical testing. Allele origin: germline. Affected: yes.
Comment: The c.1144_1145delCT variant in the LIG4 gene has been reported previously using alternate nomenclature (c.1142-1143delCT) on the opposite allele (in trans) with another LIG4 variant in an individual with autoimmune hemolytic anemia, severe pneumonia, thrombocytopenia, microcephaly, and growth retardation (Jiang et al., 2016). The c.1144_1145delCT variant causes a frameshift starting with codon Leucine 382, changes this amino acid to a Glutamic acid residue, and creates a premature Stop codon at position 5 of the new reading frame, denoted p.Leu382GlufsX5. This variant is predicted to cause loss of normal protein function through protein truncation. The c.1144_1145delCT variant is not observed at a significant frequency in large population cohorts (Lek et al., 2016). We interpret c.1144_1145delCT as a likely pathogenic variant.

Juno Genomics, Hangzhou Juno Genomics, Inc
Classification: Pathogenic for Multiple myeloma; DNA ligase IV deficiency. Review status: criteria provided, single submitter. Criteria: ACMG Guidelines, 2015. Collection method: clinical testing. Allele origin: germline.
Comment: Absent from controls (or at extremely low frequency if recessive) in Genome Aggregation Database.;Null variant in a gene where loss of function (LOF) is a known mechanism of disease.;For recessive disorders, detected in trans with a pathogenic variant.;Patient's phenotype or family history is highly specific for a disease with a single genetic etiology.

Literature cited by the submitters: PubMed 26762768 (cited by Labcorp Genetics (formerly Invitae), Labcorp); PubMed 11779494 (cited by Labcorp Genetics (formerly Invitae), Labcorp); PubMed 16088910 (cited by Labcorp Genetics (formerly Invitae), Labcorp); PubMed 25239263 (cited by Labcorp Genetics (formerly Invitae), Labcorp); PubMed 27063650 (cited by Labcorp Genetics (formerly Invitae), Labcorp).